The following is an entry in ClinVar:

ClinVar aggregate classification (germline): Uncertain significance. Review status: criteria provided, multiple submitters, no conflicts (2 of 4 stars). 2 submissions from 2 submitters: Uncertain significance (2). Last evaluated 2025-07-16.

Conditions:
Encephalopathy, acute, infection-induced (herpes-specific), susceptibility to, 6. Also called: Herpes simplex encephalitis, susceptibility to, 4. Identifiers: Orphanet 1930, MedGen C3553869, MONDO:0013921, OMIM 614850.

Allele frequency attached by ClinVar (database versions not stated): gnomAD exomes 0.00002 and 0.00008; gnomAD 0.00003 and 0.00004; ExAC 0.00004.
gnomAD v4.1: 30 of 1,612,794 alleles (0.0019%); highest among the groups gnomAD compares: East Asian, 0.042%; no homozygotes.

Submissions (2):

Labcorp Genetics (formerly Invitae), Labcorp
Classification: Uncertain significance for Encephalopathy, acute, infection-induced (herpes-specific), susceptibility to, 6. Last evaluated: 2025-07-16. Review status: criteria provided, single submitter. Criteria: Invitae Variant Classification Sherloc (09022015). Collection method: clinical testing. Allele origin: germline.
Comment: This sequence change replaces arginine, which is basic and polar, with cysteine, which is neutral and slightly polar, at codon 34 of the TICAM1 protein (p.Arg34Cys). This variant is present in population databases (rs780201394, gnomAD 0.1%). This variant has not been reported in the literature in individuals affected with TICAM1-related conditions. ClinVar contains an entry for this variant (Variation ID: 1496908). An algorithm developed to predict the effect of missense changes on protein structure and function (PolyPhen-2) suggests that this variant is likely to be tolerated. In summary, the available evidence is currently insufficient to determine the role of this variant in disease. Therefore, it has been classified as a Variant of Uncertain Significance.

Ambry Genetics
Classification: Uncertain significance. Last evaluated: 2024-04-17. Review status: criteria provided, single submitter. Criteria: Ambry Variant Classification Scheme 2023. Collection method: clinical testing. Allele origin: germline.

NM_182919.4(TICAM1):c.100C>T (p.Arg34Cys)

Gene: TICAM1 (TIR domain containing adaptor molecule 1; minus strand). Cytogenetic location: 19p13.3.
Variant type: single nucleotide variant.
Coding change: c.100C>T on transcript NM_182919.4 (MANE Select); coding-DNA position 100, C replaced by T.
Protein change: p.Arg34Cys; replaces arginine 34 with cysteine.
Molecular consequence: missense variant. On other transcripts: 5 prime UTR variant (1), intron variant (1).
Genome position (GRCh38, 1-based): chr19:4,818,278, G>A on the plus strand (C>T on the coding strand, the complement: TICAM1 is on the minus strand). VCF-style: chr19-4818278-G-A. GRCh37 (hg19) VCF-style: chr19-4818290-G-A.
Other names: c.100C>T (NM_182919.2); c.58C>T, p.Arg20Cys (NM_001385678.1); c.-36C>T (NM_001385679.1); c.-72+106C>T (NM_001385680.1); short protein forms R34C, R20C.
Identifiers: ClinVar variation 1496908 (VCV001496908.7), dbSNP rs780201394, ClinGen allele CA9105422.